The following is an entry in ClinVar:

NM_007186.6(CEP250):c.2239G>T (p.Ala747Ser)

Genes: CEP250 (centrosomal protein 250; plus strand), CEP250-AS1 (CEP250 antisense RNA 1; minus strand). Cytogenetic location: 20q11.22.
Variant type: single nucleotide variant.
Coding change: c.2239G>T on transcript NM_007186.6 (MANE Select); coding-DNA position 2239, G replaced by T.
Protein change: p.Ala747Ser; replaces alanine 747 with serine.
Molecular consequence: missense variant.
Genome position (GRCh38, 1-based): chr20:35,479,375, G>T. VCF-style: chr20-35479375-G-T. GRCh37 (hg19) VCF-style: chr20-34067200-G-T.
Other names: c.343G>T, p.Ala115Ser (NM_001318219.1); short protein forms A115S, A747S.
Identifiers: ClinVar variation 2131156 (VCV002131156.4), dbSNP rs1280460735, ClinGen allele CA408768989.

ClinVar aggregate classification (germline): Uncertain significance (1 of 4 stars; one submission).

gnomAD v4.1: 2 of 1,614,194 alleles (0.00012%); highest among the groups gnomAD compares: Non-Finnish European, 0.00017%; no homozygotes.

Submission:

Labcorp Genetics (formerly Invitae), Labcorp
Classification: Uncertain significance. Last evaluated: 2022-04-28. Review status: criteria provided, single submitter. Criteria: Invitae Variant Classification Sherloc (09022015). Collection method: clinical testing. Allele origin: germline.
Comment: In summary, the available evidence is currently insufficient to determine the role of this variant in disease. Therefore, it has been classified as a Variant of Uncertain Significance. Algorithms developed to predict the effect of missense changes on protein structure and function are either unavailable or do not agree on the potential impact of this missense change (SIFT: "Not Available"; PolyPhen-2: "Probably Damaging"; Align-GVGD: "Not Available"). This variant has not been reported in the literature in individuals affected with CEP250-related conditions. This variant is not present in population databases (gnomAD no frequency). This sequence change replaces alanine, which is neutral and non-polar, with serine, which is neutral and polar, at codon 747 of the CEP250 protein (p.Ala747Ser).